The following is an entry in ClinVar:

NM_006017.3(PROM1):c.1655T>C (p.Met552Thr)

Gene: PROM1 (prominin 1; minus strand). Cytogenetic location: 4p15.32.
Variant type: single nucleotide variant.
Coding change: c.1655T>C on transcript NM_006017.3 (MANE Select); coding-DNA position 1655, T replaced by C.
Protein change: p.Met552Thr; replaces methionine 552 with threonine.
Molecular consequence: missense variant.
Genome position (GRCh38, 1-based): chr4:15,998,412, A>G on the plus strand (T>C on the coding strand, the complement: PROM1 is on the minus strand). VCF-style: chr4-15998412-A-G. GRCh37 (hg19) VCF-style: chr4-16000035-A-G.
Other names: c.1628T>C, p.Met543Thr (NM_001145847.2, NM_001145848.2, NM_001145851.2 and 4 more transcripts); c.1655T>C, p.Met552Thr (NM_001145849.2, NM_001145850.2); short protein forms M552T, M543T.
Identifiers: ClinVar variation 1914531 (VCV001914531.5), dbSNP rs1273998914, ClinGen allele CA356431772.

ClinVar aggregate classification (germline): Uncertain significance (1 of 4 stars; one submission).

Allele frequency attached by ClinVar (database versions not stated): gnomAD exomes below 0.00001.
gnomAD v4.1: 1 of 1,605,132 alleles (0.000062%); highest among the groups gnomAD compares: Admixed American, 0.0017%; no homozygotes.

Submission:

Labcorp Genetics (formerly Invitae), Labcorp
Classification: Uncertain significance. Last evaluated: 2022-08-20. Review status: criteria provided, single submitter. Criteria: Invitae Variant Classification Sherloc (09022015). Collection method: clinical testing. Allele origin: germline.
Comment: This variant has not been reported in the literature in individuals affected with PROM1-related conditions. This variant is present in population databases (no rsID available, gnomAD 0.003%). This sequence change replaces methionine, which is neutral and non-polar, with threonine, which is neutral and polar, at codon 552 of the PROM1 protein (p.Met552Thr). Algorithms developed to predict the effect of missense changes on protein structure and function are either unavailable or do not agree on the potential impact of this missense change (SIFT: "Deleterious"; PolyPhen-2: "Benign"; Align-GVGD: "Class C25"). In summary, the available evidence is currently insufficient to determine the role of this variant in disease. Therefore, it has been classified as a Variant of Uncertain Significance.